The following is an entry in ClinVar:

ClinVar aggregate classification (germline): Uncertain significance (1 of 4 stars; one submission).

Conditions:
Oligodontia-cancer predisposition syndrome. Also called: TOOTH AGENESIS-COLORECTAL CANCER SYNDROME. Identifiers: Orphanet 300576, MedGen C1837750, MONDO:0012075, OMIM 608615. Disease mechanism: loss of function.

Allele frequency attached by ClinVar (database versions not stated): gnomAD exomes below 0.00001.
gnomAD v4.1: 1 of 1,610,082 alleles (0.000062%); highest among the groups gnomAD compares: Non-Finnish European, 0.000085%; no homozygotes.

Submission:

Labcorp Genetics (formerly Invitae), Labcorp
Classification: Uncertain significance for Oligodontia-cancer predisposition syndrome. Last evaluated: 2025-05-05. Review status: criteria provided, single submitter. Criteria: Invitae Variant Classification Sherloc (09022015). Collection method: clinical testing. Allele origin: germline.
Comment: This sequence change replaces proline, which is neutral and non-polar, with serine, which is neutral and polar, at codon 11 of the AXIN2 protein (p.Pro11Ser). This variant is not present in population databases (gnomAD no frequency). This variant has not been reported in the literature in individuals affected with AXIN2-related conditions. ClinVar contains an entry for this variant (Variation ID: 946698). An algorithm developed to predict the effect of missense changes on protein structure and function outputs the following: PolyPhen-2: "Benign". The serine amino acid residue is found in multiple mammalian species, which suggests that this missense change does not adversely affect protein function. In summary, the available evidence is currently insufficient to determine the role of this variant in disease. Therefore, it has been classified as a Variant of Uncertain Significance.

NM_004655.4(AXIN2):c.31C>T (p.Pro11Ser)

Gene: AXIN2 (axin 2; minus strand). Cytogenetic location: 17q24.1.
Variant type: single nucleotide variant.
Coding change: c.31C>T on transcript NM_004655.4 (MANE Select); coding-DNA position 31, C replaced by T.
Protein change: p.Pro11Ser; replaces proline 11 with serine.
Molecular consequence: missense variant.
Genome position (GRCh38, 1-based): chr17:65,558,590, G>A on the plus strand (C>T on the coding strand, the complement: AXIN2 is on the minus strand). VCF-style: chr17-65558590-G-A. GRCh37 (hg19) VCF-style: chr17-63554708-G-A.
Other names: c.31C>T, p.Pro11Ser (NM_001363813.1); short protein forms P11S.
Identifiers: ClinVar variation 946698 (VCV000946698.9), dbSNP rs2044312270, ClinGen allele CA400682439.